The following is an entry in ClinVar:

ClinVar aggregate classification (germline): Uncertain significance. Review status: criteria provided, multiple submitters, no conflicts (2 of 4 stars). 2 submissions from 2 submitters: Uncertain significance (2). Last evaluated 2023-11-06.

Allele frequency attached by ClinVar (database versions not stated): ExAC 0.00001; gnomAD exomes 0.00001; TOPMed 0.00002; gnomAD 0.00003.
gnomAD v4.1: 20 of 1,613,754 alleles (0.0012%); highest among the groups gnomAD compares: Admixed American, 0.0033%; no homozygotes.

Submissions (2):

Labcorp Genetics (formerly Invitae), Labcorp
Classification: Uncertain significance. Last evaluated: 2023-11-06. Review status: criteria provided, single submitter. Criteria: Invitae Variant Classification Sherloc (09022015). Collection method: clinical testing. Allele origin: germline.
Comment: This sequence change falls in intron 23 of the CHD8 gene. It does not directly change the encoded amino acid sequence of the CHD8 protein. It affects a nucleotide within the consensus splice site. This variant is present in population databases (rs762971007, gnomAD 0.003%). This variant has not been reported in the literature in individuals affected with CHD8-related conditions. ClinVar contains an entry for this variant (Variation ID: 1306023). Variants that disrupt the consensus splice site are a relatively common cause of aberrant splicing (PMID: 17576681, 9536098). Algorithms developed to predict the effect of sequence changes on RNA splicing suggest that this variant is not likely to affect RNA splicing. In summary, the available evidence is currently insufficient to determine the role of this variant in disease. Therefore, it has been classified as a Variant of Uncertain Significance.

GeneDx
Classification: Uncertain significance. Last evaluated: 2019-05-22. Review status: criteria provided, single submitter. Criteria: GeneDx Variant Classification Process June 2021. Collection method: clinical testing. Allele origin: germline. Affected: yes.
Comment: Not observed at a significant frequency in large population cohorts (Lek et al., 2016); Has not been previously published as pathogenic or benign to our knowledge; In-silico analysis, which includes splice predictors and evolutionary conservation, is inconclusive as to whether the variant alters gene splicing. In the absence of RNA/functional studies, the actual effect of this sequence change is unknown.

Literature cited by the submitters: PubMed 17576681 (cited by Labcorp Genetics (formerly Invitae), Labcorp); PubMed 9536098 (cited by Labcorp Genetics (formerly Invitae), Labcorp).

NM_001170629.2(CHD8):c.4727+3A>G

Gene: CHD8 (chromodomain helicase DNA binding protein 8; minus strand). Cytogenetic location: 14q11.2.
Variant type: single nucleotide variant.
Coding change: c.4727+3A>G on transcript NM_001170629.2 (MANE Select); 3 bases into the intron after coding-DNA position 4727, A replaced by G.
Molecular consequence: intron variant.
Genome position (GRCh38, 1-based): chr14:21,400,148, T>C on the plus strand (A>G on the coding strand, the complement: CHD8 is on the minus strand). VCF-style: chr14-21400148-T-C. GRCh37 (hg19) VCF-style: chr14-21868307-T-C.
Other names: c.3890+3A>G (NM_020920.4).
Identifiers: ClinVar variation 1306023 (VCV001306023.7), dbSNP rs762971007, ClinGen allele CA7091166.